The following is an entry in ClinVar:

NM_004560.4(ROR2):c.2303C>T (p.Thr768Met)

Gene: ROR2 (receptor tyrosine kinase like orphan receptor 2; minus strand). Cytogenetic location: 9q22.31.
Variant type: single nucleotide variant.
Coding change: c.2303C>T on transcript NM_004560.4 (MANE Select); coding-DNA position 2303, C replaced by T.
Protein change: p.Thr768Met; replaces threonine 768 with methionine.
Molecular consequence: missense variant.
Genome position (GRCh38, 1-based): chr9:91,724,191, G>A on the plus strand (C>T on the coding strand, the complement: ROR2 is on the minus strand). VCF-style: chr9-91724191-G-A. GRCh37 (hg19) VCF-style: chr9-94486473-G-A.
Other names: short protein forms T768M.
Identifiers: ClinVar variation 4738159 (VCV004738159.1).

ClinVar aggregate classification (germline): Uncertain significance (1 of 4 stars; one submission).

gnomAD v4.1: 50 of 1,612,800 alleles (0.0031%); highest among the groups gnomAD compares: Non-Finnish European, 0.0038%; no homozygotes.

Submission:

Labcorp Genetics (formerly Invitae), Labcorp
Classification: Uncertain significance. Last evaluated: 2025-12-10. Review status: criteria provided, single submitter. Criteria: Invitae Variant Classification Sherloc (09022015). Collection method: clinical testing. Allele origin: germline.
Comment: This sequence change replaces threonine, which is neutral and polar, with methionine, which is neutral and non-polar, at codon 768 of the ROR2 protein (p.Thr768Met). This variant is present in population databases (rs138178486, gnomAD 0.002%). This variant has not been reported in the literature in individuals affected with ROR2-related conditions. Invitae Evidence Modeling of protein sequence and biophysical properties (such as structural, functional, and spatial information, amino acid conservation, physicochemical variation, residue mobility, and thermodynamic stability) has been performed for this missense variant. However, the output from this modeling did not meet the statistical confidence thresholds required to predict the impact of this variant on ROR2 protein function. In summary, the available evidence is currently insufficient to determine the role of this variant in disease. Therefore, it has been classified as a Variant of Uncertain Significance.